The following is an entry in ClinVar:

NM_000207.3(INS):c.194A>G (p.Gln65Arg)

Genes: INS (insulin; minus strand), INS-IGF2 (INS-IGF2 readthrough; minus strand). Cytogenetic location: 11p15.5.
Variant type: single nucleotide variant.
Coding change: c.194A>G on transcript NM_000207.3 (MANE Select); coding-DNA position 194, A replaced by G.
Protein change: p.Gln65Arg; replaces glutamine 65 with arginine.
Molecular consequence: missense variant. On other transcripts: intron variant (1).
Genome position (GRCh38, 1-based): chr11:2,159,991, T>C on the plus strand (A>G on the coding strand, the complement: INS is on the minus strand). VCF-style: chr11-2159991-T-C. GRCh37 (hg19) VCF-style: chr11-2181221-T-C.
Other names: c.194A>G, p.Gln65Arg (NM_001185097.2, NM_001185098.2, NM_001291897.2); c.187+794A>G (NM_001042376.3); short protein forms Q65R.
Identifiers: ClinVar variation 1948092 (VCV001948092.5), dbSNP rs773102009, ClinGen allele CA379121046.
Genomic context (GRCh38, chr11:2,159,991, plus strand): 5'-GACCCCTCCAGGGCCAAGGGCTGCAGGCTGCCTGCACCAGGGCCCCCGCCCAGCTCCACC[T>C]GCCCCACTGCCAGGACGTGCCGCGCAGAGCAGGTTCCGGAACAGCGGCGAGGCAGAGGGA-3'
Protein context (NP_000198.1, residues 55-75): RREAEDLQVG[Gln65Arg]VELGGGPGAG

ClinVar aggregate classification (germline): Uncertain significance (1 of 4 stars; one submission).

Allele frequency attached by ClinVar (database versions not stated): TOPMed 0.00001.

Submission:

Labcorp Genetics (formerly Invitae), Labcorp
Classification: Uncertain significance. Last evaluated: 2022-03-10. Review status: criteria provided, single submitter. Criteria: Invitae Variant Classification Sherloc (09022015). Collection method: clinical testing. Allele origin: germline.
Comment: In summary, the available evidence is currently insufficient to determine the role of this variant in disease. Therefore, it has been classified as a Variant of Uncertain Significance. Algorithms developed to predict the effect of missense changes on protein structure and function (SIFT, PolyPhen-2, Align-GVGD) all suggest that this variant is likely to be tolerated. This variant has not been reported in the literature in individuals affected with INS-related conditions. This variant is not present in population databases (gnomAD no frequency). This sequence change replaces glutamine, which is neutral and polar, with arginine, which is basic and polar, at codon 65 of the INS protein (p.Gln65Arg).